The following is an entry in ClinVar:

ClinVar aggregate classification (germline): Likely benign (0 of 4 stars; one submission).

Conditions:
MYO5B-related disorder. Also called: MYO5B-related condition.

Allele frequency attached by ClinVar (database versions not stated): gnomAD exomes below 0.00001.
gnomAD v4.1: 1 of 1,611,696 alleles (0.000062%); highest among the groups gnomAD compares: Admixed American, 0.0017%; no homozygotes.

Submission:

PreventionGenetics, part of Exact Sciences
Classification: Likely benign for MYO5B-related condition. Last evaluated: 2023-03-16. Review status: no assertion criteria provided. Collection method: clinical testing. Allele origin: germline.
Comment: This variant is classified as likely benign based on ACMG/AMP sequence variant interpretation guidelines (Richards et al. 2015 PMID: 25741868, with internal and published modifications).

NM_001080467.3(MYO5B):c.757-9C>A

Gene: MYO5B (myosin VB; minus strand). Cytogenetic location: 18q21.1.
Variant type: single nucleotide variant.
Coding change: c.757-9C>A on transcript NM_001080467.3 (MANE Select); 9 bases into the intron before coding-DNA position 757, C replaced by A.
Molecular consequence: intron variant.
Genome position (GRCh38, 1-based): chr18:49,990,529, G>T on the plus strand (C>A on the coding strand, the complement: MYO5B is on the minus strand). VCF-style: chr18-49990529-G-T. GRCh37 (hg19) VCF-style: chr18-47516899-G-T.
Identifiers: ClinVar variation 3051456 (VCV003051456.2), dbSNP rs2511239488, ClinGen allele CA2641798114.
Genomic context (GRCh38, chr18:49,990,529, plus strand): 5'-CGGCAGCAGCACAGAGCTGGTAAAAGATGTGGTAATTCCTCTCATCATCTGCCTGGAGGA[G>T]GAAGAAGTGAAGCAGTTTTAGGGCAGTGACCTCTAACATCGTTCCCTCTGCCACTGTAAT-3'